The following is an entry in ClinVar:

NM_000353.3(TAT):c.1297C>T (p.Arg433Trp)

Genes: TAT-AS1 (TAT antisense RNA 1; plus strand), TAT (tyrosine aminotransferase; minus strand). Cytogenetic location: 16q22.2.
Variant type: single nucleotide variant.
Coding change: c.1297C>T on transcript NM_000353.3 (MANE Select); coding-DNA position 1297, C replaced by T.
Protein change: p.Arg433Trp; replaces arginine 433 with tryptophan.
Molecular consequence: missense variant.
Genome position (GRCh38, 1-based): chr16:71,568,212, G>A on the plus strand (C>T on the coding strand, the complement: TAT is on the minus strand). VCF-style: chr16-71568212-G-A. GRCh37 (hg19) VCF-style: chr16-71602115-G-A.
Other names: short protein forms R433W.
Identifiers: ClinVar variation 553180 (VCV000553180.16), dbSNP rs761817519, ClinGen allele CA8153719.

ClinVar aggregate classification (germline): Pathogenic. Review status: criteria provided, multiple submitters, no conflicts (2 of 4 stars). 4 submissions from 4 submitters: Pathogenic (3). 1 of the submissions does not count toward it. Last evaluated 2024-03-27.

Conditions:
Tyrosinemia type II (TYRSN2). Also called: KERATOSIS PALMOPLANTARIS WITH CORNEAL DYSTROPHY; OREGON TYPE TYROSINEMIA; TAT DEFICIENCY; TYROSINE AMINOTRANSFERASE DEFICIENCY; TYROSINE TRANSAMINASE DEFICIENCY. Identifiers: Orphanet 28378, MedGen C0268487, MONDO:0010160, OMIM 276600.

Allele frequency attached by ClinVar (database versions not stated): gnomAD 0.00001; gnomAD exomes 0.00001; ExAC 0.00002.

Submissions (4):

Labcorp Genetics (formerly Invitae), Labcorp
Classification: Pathogenic for Tyrosinemia type II. Last evaluated: 2024-03-27. Review status: criteria provided, single submitter. Criteria: Invitae Variant Classification Sherloc (09022015). Collection method: clinical testing. Allele origin: germline.
Comment: This sequence change replaces arginine, which is basic and polar, with tryptophan, which is neutral and slightly polar, at codon 433 of the TAT protein (p.Arg433Trp). This variant is present in population databases (rs761817519, gnomAD 0.006%). This missense change has been observed in individuals with tyrosinemia (PMID: 18577048, 28255985, 36246604). ClinVar contains an entry for this variant (Variation ID: 553180). Advanced modeling of protein sequence and biophysical properties (such as structural, functional, and spatial information, amino acid conservation, physicochemical variation, residue mobility, and thermodynamic stability) performed at Invitae indicates that this missense variant is expected to disrupt TAT protein function with a positive predictive value of 80%. Experimental studies have shown that this missense change affects TAT function (PMID: 9544843). This variant disrupts the p.Arg433 amino acid residue in TAT. Other variant(s) that disrupt this residue have been determined to be pathogenic (PMID: 9544843). This suggests that this residue is clinically significant, and that variants that disrupt this residue are likely to be disease-causing. For these reasons, this variant has been classified as Pathogenic.

Women's Health and Genetics/Laboratory Corporation of America, LabCorp
Classification: Pathogenic for Tyrosinemia type II. Last evaluated: 2023-07-27. Review status: criteria provided, single submitter. Criteria: LabCorp Variant Classification Summary - May 2015. Collection method: clinical testing. Allele origin: germline.
Comment: Variant summary: TAT c.1297C>T (p.Arg433Trp) results in a non-conservative amino acid change located in the Aminotransferase, class I/classII domain of the encoded protein sequence. Five of five in-silico tools predict a damaging effect of the variant on protein function. The variant allele was found at a frequency of 1.2e-05 in 251430 control chromosomes. c.1297C>T has been reported in the literature in individuals affected with Tyrosinemia Type 2 (Huhn_1998, Pena-Quintana_2017). These data indicate that the variant is likely to be associated with disease. At least one publication reports experimental evidence evaluating an impact on protein function. The most pronounced variant effect results in <10% of normal activity (Huhn_1998). The following publications have been ascertained in the context of this evaluation (PMID: 9544843, 28255985). Three submitters have cited clinical-significance assessments for this variant to ClinVar after 2014. All submitters classified the variant as pathogenic/likely pathogenic. In addition, p.R433Q has been classified as likely pathogenic by our laboratory. Based on the evidence outlined above, the variant was classified as pathogenic.

Revvity Omics, Revvity
Classification: Pathogenic for Tyrosinemia type II. Last evaluated: 2023-01-30. Review status: criteria provided, single submitter. Criteria: ACMG Guidelines, 2015. Collection method: clinical testing. Allele origin: germline.

Counsyl
Classification: Likely pathogenic for Tyrosinemia type II. Last evaluated: 2017-08-04. Review status: no assertion criteria provided. Collection method: clinical testing. Allele origin: unknown. Not counted in ClinVar's aggregate classification.

Literature cited by the submitters: PubMed 18577048 (cited by Labcorp Genetics (formerly Invitae), Labcorp and Counsyl); PubMed 28255985 (cited by 3 submitters); PubMed 36246604 (cited by Labcorp Genetics (formerly Invitae), Labcorp); PubMed 9544843 (cited by 3 submitters).